The following is an entry in ClinVar:

ClinVar aggregate classification (germline): Uncertain significance (1 of 4 stars; one submission).

Conditions:
Hereditary cancer-predisposing syndrome. Also called: Hereditary neoplastic syndrome; Neoplastic Syndromes, Hereditary; Tumor predisposition; Hereditary Cancer Syndrome. Identifiers: Orphanet 140162, MedGen C0027672, MeSH D009386, MONDO:0015356.

Submission:

Ambry Genetics
Classification: Uncertain significance for Hereditary cancer-predisposing syndrome. Last evaluated: 2024-12-20. Review status: criteria provided, single submitter. Criteria: Ambry Variant Classification Scheme 2023. Collection method: clinical testing. Allele origin: germline.
Comment: The p.K695T variant (also known as c.2084A>C), located in coding exon 10 of the BRCA2 gene, results from an A to C substitution at nucleotide position 2084. The lysine at codon 695 is replaced by threonine, an amino acid with similar properties. This amino acid position is conserved. In addition, this alteration is predicted to be tolerated by in silico analysis. Based on the available evidence, the clinical significance of this variant remains unclear.

NM_000059.4(BRCA2):c.2084A>C (p.Lys695Thr)

Gene: BRCA2 (BRCA2 DNA repair associated; plus strand). Cytogenetic location: 13q13.1.
Variant type: single nucleotide variant.
Coding change: c.2084A>C on transcript NM_000059.4 (MANE Select); coding-DNA position 2084, A replaced by C.
Protein change: p.Lys695Thr; replaces lysine 695 with threonine.
Molecular consequence: missense variant. On other transcripts: non-coding transcript variant (1), intron variant (2).
Genome position (GRCh38, 1-based): chr13:32,336,439, A>C. VCF-style: chr13-32336439-A-C. GRCh37 (hg19) VCF-style: chr13-32910576-A-C.
Other names: c.2084A>C, p.Lys695Thr (NM_001406719.1, NM_001406720.1, NM_001432077.1); c.1909+3052A>C (NM_001406721.1); c.424+5409A>C (NM_001406722.1); short protein forms K695T.
Identifiers: ClinVar variation 3825363 (VCV003825363.1).